The following is an entry in ClinVar:

NM_032776.3(JMJD1C):c.4871C>T (p.Ser1624Phe)

Gene: JMJD1C (jumonji domain containing 1C; minus strand). Cytogenetic location: 10q21.3.
Variant type: single nucleotide variant.
Coding change: c.4871C>T on transcript NM_032776.3 (MANE Select); coding-DNA position 4871, C replaced by T.
Protein change: p.Ser1624Phe; replaces serine 1624 with phenylalanine.
Molecular consequence: missense variant. On other transcripts: non-coding transcript variant (1).
Genome position (GRCh38, 1-based): chr10:63,206,798, G>A on the plus strand (C>T on the coding strand, the complement: JMJD1C is on the minus strand). VCF-style: chr10-63206798-G-A. GRCh37 (hg19) VCF-style: chr10-64966558-G-A.
Other names: c.4325C>T, p.Ser1442Phe (NM_001282948.2, NM_001318154.2); c.4007C>T, p.Ser1336Phe (NM_001318153.2); c.4757C>T, p.Ser1586Phe (NM_001322252.2); c.4214C>T, p.Ser1405Phe (NM_001322254.2, NM_001322258.2); short protein forms S1624F, S1586F, S1336F, S1405F, S1442F.
Identifiers: ClinVar variation 460256 (VCV000460256.8), dbSNP rs760860474, ClinGen allele CA5518191.

ClinVar aggregate classification (germline): Uncertain significance (1 of 4 stars; one submission).

Conditions:
Early Myoclonic Encephalopathy. Identifiers: MedGen C0270855.

Allele frequency attached by ClinVar (database versions not stated): gnomAD exomes 0.00001 and 0.00003; gnomAD 0.00001; ExAC 0.00002; TOPMed 0.00002.
gnomAD v4.1: 7 of 1,604,520 alleles (0.00044%); highest among the groups gnomAD compares: Admixed American, 0.012%; no homozygotes.

Submission:

Labcorp Genetics (formerly Invitae), Labcorp
Classification: Uncertain significance for Early Myoclonic Encephalopathy. Last evaluated: 2024-07-01. Review status: criteria provided, single submitter. Criteria: Invitae Variant Classification Sherloc (09022015). Collection method: clinical testing. Allele origin: germline.
Comment: This sequence change replaces serine, which is neutral and polar, with phenylalanine, which is neutral and non-polar, at codon 1624 of the JMJD1C protein (p.Ser1624Phe). This variant is present in population databases (rs760860474, gnomAD 0.02%). This variant has not been reported in the literature in individuals affected with JMJD1C-related conditions. ClinVar contains an entry for this variant (Variation ID: 460256). Advanced modeling of protein sequence and biophysical properties (such as structural, functional, and spatial information, amino acid conservation, physicochemical variation, residue mobility, and thermodynamic stability) performed at Invitae indicates that this missense variant is expected to disrupt JMJD1C protein function with a positive predictive value of 80%. In summary, the available evidence is currently insufficient to determine the role of this variant in disease. Therefore, it has been classified as a Variant of Uncertain Significance.